The following is an entry in ClinVar:

ClinVar aggregate classification (germline): Benign/Likely benign. Review status: criteria provided, multiple submitters, no conflicts (2 of 4 stars). 2 submissions from 2 submitters: Benign (1); Likely benign (1). Last evaluated 2026-08-01.

Allele frequency attached by ClinVar (database versions not stated): TOPMed 0.00323; gnomAD 0.00334; ESP Exome Variant Server 0.00400; 1000 Genomes Project 30x 0.00406; 1000 Genomes Project 0.00459; gnomAD exomes 0.00483; ExAC 0.00528.
gnomAD v4.1: 7,530 of 1,614,162 alleles (0.47%); highest among the groups gnomAD compares: South Asian, 0.61%; 33 homozygotes.

Submissions (2):

CeGaT Center for Human Genetics Tuebingen
Classification: Likely benign. Last evaluated: 2026-08-01. Review status: criteria provided, single submitter. Criteria: CeGaT Center For Human Genetics Tuebingen Variant Classification Criteria Version 2. Collection method: clinical testing. Allele origin: germline. Affected: yes. Observed: 15 variant alleles.
Comment: FAT2: PP2, BS2

Labcorp Genetics (formerly Invitae), Labcorp
Classification: Benign. Last evaluated: 2026-02-01. Review status: criteria provided, single submitter. Criteria: Invitae Variant Classification Sherloc (09022015). Collection method: clinical testing. Allele origin: germline.

NM_001447.3(FAT2):c.5720T>C (p.Ile1907Thr)

Genes: FAT2 (FAT atypical cadherin 2; minus strand), SLC36A1 (solute carrier family 36 member 1; plus strand). Cytogenetic location: 5q33.1.
Variant type: single nucleotide variant.
Coding change: c.5720T>C on transcript NM_001447.3 (MANE Select); coding-DNA position 5720, T replaced by C.
Protein change: p.Ile1907Thr; replaces isoleucine 1907 with threonine.
Molecular consequence: missense variant.
Genome position (GRCh38, 1-based): chr5:151,545,407, A>G on the plus strand (T>C on the coding strand, the complement: FAT2 is on the minus strand). VCF-style: chr5-151545407-A-G. GRCh37 (hg19) VCF-style: chr5-150924968-A-G.
Other names: short protein forms I1907T.
Identifiers: ClinVar variation 1879639 (VCV001879639.34), dbSNP rs150700679, ClinGen allele CA3521244.